The following is an entry in ClinVar:

NM_000096.4(CP):c.*259C>T

Genes: CP (ceruloplasmin; minus strand), HPS3 (HPS3 biogenesis of lysosomal organelles complex 2 subunit 1; plus strand). Cytogenetic location: 3q24.
Variant type: single nucleotide variant.
Coding change: c.*259C>T on transcript NM_000096.4 (MANE Select); 259 bases downstream of the stop codon, C replaced by T.
Molecular consequence: 3 prime UTR variant.
Genome position (GRCh38, 1-based): chr3:149,173,455, G>A on the plus strand (C>T on the coding strand, the complement: CP is on the minus strand). VCF-style: chr3-149173455-G-A. GRCh37 (hg19) VCF-style: chr3-148891242-G-A.
Other names: c.*1233G>A (NM_001308258.2, NM_032383.5).
Identifiers: ClinVar variation 900781 (VCV000900781.4), dbSNP rs192321084, ClinGen allele CA85522987.
Genomic context (GRCh38, chr3:149,173,455, plus strand): 5'-CCAGGAGAATATCTGGTCATAGATCTTTTTTTAAATGCAGTTTTATAAAACCCTAACAGC[G>A]GTGATATCATTAGACTGTATGAATCAGTTTTATTACCTAGTGTACAAGTGTCAGTCATGT-3'

ClinVar aggregate classification (germline): Likely benign. Review status: criteria provided, single submitter (1 of 4 stars). 2 submissions from 1 submitter: Likely benign (2). Last evaluated 2018-01-12.

Conditions:
Hermansky-Pudlak syndrome 3 (HPS3). Identifiers: Orphanet 231512, Orphanet 79430, MedGen C3888001, MONDO:0013555, OMIM 614072.
Deficiency of ferroxidase (ACEP). Also called: Aceruloplasminemia; NEURODEGENERATION WITH BRAIN IRON ACCUMULATION 10; Ceruloplasmin deficiency; Familial apoceruloplasmin deficiency; Hereditary ceruloplasmin deficiency; Deficiency of ceruloplasmin. Identifiers: Orphanet 48818, MedGen C0878682, MONDO:0011426, OMIM 604290, HP:0025498.

Allele frequency attached by ClinVar (database versions not stated): gnomAD exomes 0.00051; gnomAD 0.00383 and 0.00414; TOPMed 0.00407; 1000 Genomes Project 0.00419; 1000 Genomes Project 30x 0.00437.
gnomAD v4.1: 647 of 284,484 alleles (0.23%); highest among the groups gnomAD compares: African/African-American, 1.3%; 4 homozygotes.

Submissions (2):

Illumina Laboratory Services, Illumina
Classification: Likely benign for Deficiency of ferroxidase. Last evaluated: 2018-01-12. Review status: criteria provided, single submitter. Criteria: ICSL Variant Classification Criteria 13 December 2019. Collection method: clinical testing. Allele origin: germline.
Comment: This variant was observed in the ICSL laboratory as part of a predisposition screen in an ostensibly healthy population. It had not been previously curated by ICSL or reported in the Human Gene Mutation Database (HGMD: prior to June 1st, 2018), and was therefore a candidate for classification through an automated scoring system. Utilizing variant allele frequency, disease prevalence and penetrance estimates, and inheritance mode, an automated score was calculated to assess if this variant is too frequent to cause the disease. Based on the score and internal cut-off values, a variant classified as likely benign is not then subjected to further curation. The score for this variant resulted in a classification of likely benign for this disease.

Illumina Laboratory Services, Illumina
Classification: Likely benign for Hermansky-Pudlak syndrome 3. Last evaluated: 2018-01-12. Review status: criteria provided, single submitter. Criteria: ICSL Variant Classification Criteria 13 December 2019. Collection method: clinical testing. Allele origin: germline.
Comment: the same text as in the submission from Illumina Laboratory Services, Illumina above.